The following is an entry in ClinVar:

ClinVar aggregate classification (germline): Uncertain significance (1 of 4 stars; one submission).

Conditions:
KBG syndrome (KBGS). Also called: ANKRD11-Related KBG Syndrome. Identifiers: Orphanet 2332, MedGen C0220687, MONDO:0007846, OMIM 148050.

Allele frequency attached by ClinVar (database versions not stated): gnomAD 0.00001; gnomAD exomes 0.00001; TOPMed 0.00001.
gnomAD v4.1: 5 of 1,545,582 alleles (0.00032%); highest among the groups gnomAD compares: East Asian, 0.0049%; no homozygotes.

Submission:

Labcorp Genetics (formerly Invitae), Labcorp
Classification: Uncertain significance for KBG syndrome. Last evaluated: 2024-05-21. Review status: criteria provided, single submitter. Criteria: Invitae Variant Classification Sherloc (09022015). Collection method: clinical testing. Allele origin: germline.
Comment: This sequence change replaces valine, which is neutral and non-polar, with methionine, which is neutral and non-polar, at codon 2239 of the ANKRD11 protein (p.Val2239Met). This variant is not present in population databases (gnomAD no frequency). This variant has not been reported in the literature in individuals affected with ANKRD11-related conditions. Advanced modeling of protein sequence and biophysical properties (such as structural, functional, and spatial information, amino acid conservation, physicochemical variation, residue mobility, and thermodynamic stability) performed at Invitae indicates that this missense variant is not expected to disrupt ANKRD11 protein function with a negative predictive value of 95%. In summary, the available evidence is currently insufficient to determine the role of this variant in disease. Therefore, it has been classified as a Variant of Uncertain Significance.

NM_013275.6(ANKRD11):c.6715G>A (p.Val2239Met)

Gene: ANKRD11 (ankyrin repeat domain 11; minus strand). Cytogenetic location: 16q24.3.
Variant type: single nucleotide variant.
Coding change: c.6715G>A on transcript NM_013275.6 (MANE Select); coding-DNA position 6715, G replaced by A.
Protein change: p.Val2239Met; replaces valine 2239 with methionine.
Molecular consequence: missense variant.
Genome position (GRCh38, 1-based): chr16:89,279,827, C>T on the plus strand (G>A on the coding strand, the complement: ANKRD11 is on the minus strand). VCF-style: chr16-89279827-C-T. GRCh37 (hg19) VCF-style: chr16-89346235-C-T.
Other names: c.6715G>A, p.Val2239Met (NM_001256182.2, NM_001256183.2); short protein forms V2239M.
Identifiers: ClinVar variation 2883091 (VCV002883091.3), dbSNP rs924433707, ClinGen allele CA286509839.